The following is an entry in ClinVar:

NM_000095.3(COMP):c.1046A>G (p.Asp349Gly)

Gene: COMP (cartilage oligomeric matrix protein; minus strand). Cytogenetic location: 19p13.11.
Variant type: single nucleotide variant.
Coding change: c.1046A>G on transcript NM_000095.3 (MANE Select); coding-DNA position 1046, A replaced by G.
Protein change: p.Asp349Gly; replaces aspartic acid 349 with glycine.
Molecular consequence: missense variant.
Genome position (GRCh38, 1-based): chr19:18,787,580, T>C on the plus strand (A>G on the coding strand, the complement: COMP is on the minus strand). VCF-style: chr19-18787580-T-C. GRCh37 (hg19) VCF-style: chr19-18898389-T-C.
Other names: short protein forms D349G.
Identifiers: ClinVar variation 3723508 (VCV003723508.2).
Genomic context (GRCh38, chr19:18,787,580, plus strand): 5'-TCGCCCCGGCCGTCCTGGTCTGTGTCCTTTTGGTCGTCGTTCTTCTGGGACCGGCAGTTG[T>C]CGCACGCATCGCCCCACTTGTCCTCGTCCGTGTTGCGCTGGTCTGGGTTCCGCACCAGCG-3'
Protein context (NP_000086.2, residues 339-359): TDEDKWGDAC[Asp349Gly]NCRSQKNDDQ

ClinVar aggregate classification (germline): Pathogenic (1 of 4 stars; one submission).

Submission:

Labcorp Genetics (formerly Invitae), Labcorp
Classification: Pathogenic. Last evaluated: 2025-12-01. Review status: criteria provided, single submitter. Criteria: Invitae Variant Classification Sherloc (09022015). Collection method: clinical testing. Allele origin: germline.
Comment: This sequence change replaces aspartic acid, which is acidic and polar, with glycine, which is neutral and non-polar, at codon 349 of the COMP protein (p.Asp349Gly). This variant is not present in population databases (gnomAD no frequency). This missense change has been observed in individuals with clinical features of COMP-related conditions (PMID: 9921895; internal data). This variant is also known as D349V. ClinVar contains an entry for this variant (Variation ID: 3723508). Invitae Evidence Modeling of protein sequence and biophysical properties (such as structural, functional, and spatial information, amino acid conservation, physicochemical variation, residue mobility, and thermodynamic stability) indicates that this missense variant is expected to disrupt COMP protein function with a positive predictive value of 80%. This variant disrupts the p.Asp349 amino acid residue in COMP. Other variant(s) that disrupt this residue have been determined to be pathogenic (internal data). This suggests that this residue is clinically significant, and that variants that disrupt this residue are likely to be disease-causing. For these reasons, this variant has been classified as Pathogenic.

Literature cited by the submitters: PubMed 9921895.